The following is an entry in ClinVar:

ClinVar aggregate classification (germline): Likely pathogenic (1 of 4 stars; one submission).

Conditions:
Polysyndactyly 4. Also called: Polysyndactyly uncomplicated; Preaxial polydactyly 4. Identifiers: Orphanet 93338, MedGen C1868111, MONDO:0008272, OMIM 174700.
Polydactyly, postaxial, type A1. Identifiers: MedGen C4282400, MONDO:0008266, OMIM 174200.
Greig cephalopolysyndactyly syndrome (GCPS). Also called: POLYSYNDACTYLY WITH PECULIAR SKULL SHAPE; GLI3-Related Greig Cephalopolysyndactyly Syndrome; Greig syndrome. Identifiers: Orphanet 380, MedGen C0265306, MONDO:0008287, OMIM 175700.
Pallister-Hall syndrome (PHS). Also called: HYPOTHALAMIC HAMARTOBLASTOMA, HYPOPITUITARISM, IMPERFORATE ANUS, AND POSTAXIAL POLYDACTYLY; GLI3-Related Pallister-Hall Syndrome. Identifiers: Orphanet 672, MedGen C0265220, MONDO:0007804, OMIM 146510.

Submission:

New York Genome Center
Classification: Likely pathogenic for Polysyndactyly 4; Polydactyly, postaxial, type A1; Pallister-Hall syndrome; Greig cephalopolysyndactyly syndrome. Last evaluated: 2024-08-26. Review status: criteria provided, single submitter. Criteria: NYGC Assertion Criteria 2020. Collection method: clinical testing. Allele origin: de novo. Affected: yes. Observed: 1 variant allele, 1 heterozygote.
Comment: The apparently de novo c.3786_3787insT p.(Val1263CysfsTer41) identified in the GLI3 gene has not previously been reported in individuals with GLI3-related disorders nor has it been deposited in ClinVar. The c.3786_3787insT variant is absent from population databases (gnomADv4.1.0, All of Us), suggesting it is not a common benign variant in the populations represented in those databases. The c.3786_3787insT variant in GLI3 is located in the final exon of this 15-exon gene and is predicted to escape nonsense mediated decay. The mutant protein is predicted to lack the terminal 317 amino acids of the 1580-amino acid protein. Multiple truncating variants that are downstream to c.3786_3787insT have been reported in the literature in individuals with either GCPS or GLI3-related polydactyly [PMID: 10441570, 15739154, 24736735, 34482537]. This variant is also located downstream of the region associated with Pallister-Hall syndrome, so is less likely to cause that phenotype. Based on available evidence this heterozygous de novo c.3786_3787insT variant identified in the GLI3 gene is classified as Likely Pathogenic.

NM_000168.6(GLI3):c.3786_3787insT (p.Val1263fs)

Gene: GLI3 (GLI family zinc finger 3; minus strand). Cytogenetic location: 7p14.1.
Variant type: Insertion.
Coding change: c.3786_3787insT on transcript NM_000168.6 (MANE Select); coding-DNA positions 3786 to 3787, T inserted.
Protein change: p.Val1263fs; shifts the reading frame from valine 1263.
Molecular consequence: frameshift variant.
Genome position: GRCh38 VCF-style: chr7-41965286-C-CA. GRCh37 (hg19) VCF-style: chr7-42004884-C-CA.
Other names: short protein forms V1263fs.
Identifiers: ClinVar variation 4888384 (VCV004888384.1).